The following is an entry in ClinVar:

ClinVar aggregate classification (germline): Likely pathogenic (1 of 4 stars; one submission).

Conditions:
Neuronal ceroid lipofuscinosis 1 (CLN1). Also called: CEROID LIPOFUSCINOSIS, NEURONAL, 1, VARIABLE AGE AT ONSET; PPT1-Related Neuronal Ceroid-Lipofuscinosis. Identifiers: Orphanet 228329, MedGen C1850451, MONDO:0009744, OMIM 256730.

Submission:

Labcorp Genetics (formerly Invitae), Labcorp
Classification: Likely pathogenic for Neuronal ceroid lipofuscinosis 1. Last evaluated: 2021-03-25. Review status: criteria provided, single submitter. Criteria: Invitae Variant Classification Sherloc (09022015). Collection method: clinical testing. Allele origin: germline.
Comment: This variant has not been reported in the literature in individuals with PPT1-related conditions. This variant is not present in population databases (ExAC no frequency). This sequence change replaces glycine with glutamic acid at codon 73 of the PPT1 protein (p.Gly73Glu). The glycine residue is highly conserved and there is a moderate physicochemical difference between glycine and glutamic acid. In summary, the currently available evidence indicates that the variant is pathogenic, but additional data are needed to prove that conclusively. Therefore, this variant has been classified as Likely Pathogenic. This variant disrupts the p.Gly73 amino acid residue in PPT1. Other variant(s) that disrupt this residue have been determined to be pathogenic (Invitae). This suggests that this residue is clinically significant, and that variants that disrupt this residue are likely to be disease-causing. Advanced modeling of protein sequence and biophysical properties (such as structural, functional, and spatial information, amino acid conservation, physicochemical variation, residue mobility, and thermodynamic stability) performed at Invitae indicates that this missense variant is expected to disrupt PPT1 protein function.

NM_000310.4(PPT1):c.218G>A (p.Gly73Glu)

Gene: PPT1 (palmitoyl-protein thioesterase 1; minus strand). Cytogenetic location: 1p34.2.
Variant type: single nucleotide variant.
Coding change: c.218G>A on transcript NM_000310.4 (MANE Select); coding-DNA position 218, G replaced by A.
Protein change: p.Gly73Glu; replaces glycine 73 with glutamic acid.
Molecular consequence: missense variant. On other transcripts: intron variant (1).
Genome position (GRCh38, 1-based): chr1:40,092,414, C>T on the plus strand (G>A on the coding strand, the complement: PPT1 is on the minus strand). VCF-style: chr1-40092414-C-T. GRCh37 (hg19) VCF-style: chr1-40558086-C-T.
Other names: c.218G>A, p.Gly73Glu (NM_001363695.2); c.125-2902G>A (NM_001142604.2); short protein forms G73E.
Identifiers: ClinVar variation 1493301 (VCV001493301.8), dbSNP rs1649619197, ClinGen allele CA339849619.
Genomic context (GRCh38, chr1:40,092,414, plus strand): 5'-ATCAGTCAGCAACCCTTCAAAGGAACAGCTGTGAAGCGCCTTACCTCCATCAGGGTCTTC[C>T]CAATCTCTAAAGATAAGACGTAAATTCCAGGTATTTTCTTCTCCACCATTTTTTTAATAG-3'
Protein context (NP_000301.1, residues 63-83): PGIYVLSLEI[Gly73Glu]KTLMEDVENS